The following is an entry in ClinVar:

ClinVar aggregate classification (germline): Likely benign. Review status: criteria provided, multiple submitters, no conflicts (2 of 4 stars). 2 submissions from 2 submitters: Likely benign (2). Last evaluated 2024-04-01.

gnomAD v4.1: 2 of 1,614,078 alleles (0.00012%); highest among the groups gnomAD compares: Admixed American, 0.0033%; no homozygotes.

Submissions (2):

CeGaT Center for Human Genetics Tuebingen
Classification: Likely benign. Last evaluated: 2024-04-01. Review status: criteria provided, single submitter. Criteria: CeGaT Center For Human Genetics Tuebingen Variant Classification Criteria Version 2. Collection method: clinical testing. Allele origin: germline. Affected: yes. Observed: 1 variant allele.
Comment: ABCA4: BP4, BP7

Labcorp Genetics (formerly Invitae), Labcorp
Classification: Likely benign. Last evaluated: 2023-11-17. Review status: criteria provided, single submitter. Criteria: Invitae Variant Classification Sherloc (09022015). Collection method: clinical testing. Allele origin: germline.

NM_000350.3(ABCA4):c.6210G>T (p.Thr2070=)

Gene: ABCA4 (ATP binding cassette subfamily A member 4; minus strand). Cytogenetic location: 1p22.1.
Variant type: single nucleotide variant.
Coding change: c.6210G>T on transcript NM_000350.3 (MANE Select); coding-DNA position 6210, G replaced by T.
Protein change: p.Thr2070=; no amino-acid change (threonine 2070 retained).
Molecular consequence: synonymous variant.
Genome position (GRCh38, 1-based): chr1:94,001,930, C>A on the plus strand (G>T on the coding strand, the complement: ABCA4 is on the minus strand). VCF-style: chr1-94001930-C-A. GRCh37 (hg19) VCF-style: chr1-94467486-C-A.
Other names: c.5988G>T, p.Thr1996= (NM_001425324.1).
Identifiers: ClinVar variation 2712253 (VCV002712253.23), dbSNP rs1368610622, ClinGen allele CA418812172.